The following is an entry in ClinVar:

NM_001042492.3(NF1):c.6186C>A (p.Cys2062Ter)

Gene: NF1 (neurofibromin 1; plus strand). Cytogenetic location: 17q11.2.
Variant type: single nucleotide variant.
Coding change: c.6186C>A on transcript NM_001042492.3 (MANE Select); coding-DNA position 6186, C replaced by A.
Protein change: p.Cys2062Ter; replaces cysteine 2062 with a stop codon.
Molecular consequence: nonsense.
Genome position (GRCh38, 1-based): chr17:31,336,673, C>A. VCF-style: chr17-31336673-C-A. GRCh37 (hg19) VCF-style: chr17-29663691-C-A.
Other names: c.6123C>A, p.Cys2041Ter (NM_000267.4); short protein forms C2041*, C2062*.
Identifiers: ClinVar variation 1068554 (VCV001068554.5), dbSNP rs1555534669, ClinGen allele CA399011806.
Genomic context (GRCh38, chr17:31,336,673, plus strand): 5'-AAAAAATCCTGCTTCTTTACAGGTTATTGGAAGGATGTGCAAAATAATTGACAAGACATG[C>A]TTATCTCCAACTCCTACTTTAGAACAACATCTTATGTGGGATGATATTGCTATTTTAGCA-3'

ClinVar aggregate classification (germline): Pathogenic (1 of 4 stars; one submission).

Conditions:
Neurofibromatosis, type 1 (NF1). Also called: VON RECKLINGHAUSEN DISEASE; Peripheral type neurofibromatosis; NEUROFIBROMATOSIS, TYPE I, SOMATIC; Neurofibromatosis, type I. Identifiers: Orphanet 636, MedGen C0027831, MONDO:0018975, OMIM 162200. Disease mechanism: loss of function.

Submission:

Labcorp Genetics (formerly Invitae), Labcorp
Classification: Pathogenic for Neurofibromatosis, type 1. Last evaluated: 2024-08-15. Review status: criteria provided, single submitter. Criteria: Invitae Variant Classification Sherloc (09022015). Collection method: clinical testing. Allele origin: germline.
Comment: This sequence change creates a premature translational stop signal (p.Cys2041*) in the NF1 gene. It is expected to result in an absent or disrupted protein product. Loss-of-function variants in NF1 are known to be pathogenic (PMID: 10712197, 23913538). This variant is not present in population databases (gnomAD no frequency). This variant has not been reported in the literature in individuals affected with NF1-related conditions. ClinVar contains an entry for this variant (Variation ID: 1068554). For these reasons, this variant has been classified as Pathogenic.

Literature cited by the submitters: PubMed 10712197; PubMed 23913538.